The following is an entry in ClinVar:

ClinVar aggregate classification (germline): Uncertain significance (1 of 4 stars; one submission).

Conditions:
Inborn genetic diseases. Identifiers: MedGen C0950123, MeSH D030342.

Submission:

Ambry Genetics
Classification: Uncertain significance for Inborn genetic diseases. Last evaluated: 2026-06-27. Review status: criteria provided, single submitter. Criteria: Ambry Variant Classification Scheme 2023. Collection method: clinical testing. Allele origin: germline.
Comment: The p.F342L variant (also known as c.1026C>A), located in coding exon 1 of the CEBPA gene, results from a C to A substitution at nucleotide position 1026. The phenylalanine at codon 342 is replaced by leucine, an amino acid with highly similar properties. This amino acid position is conserved. In addition, this alteration is predicted to be tolerated by in silico analysis. Based on the available evidence, the clinical significance of this variant remains unclear.

NM_004364.5(CEBPA):c.1026C>A (p.Phe342Leu)

Gene: CEBPA (CCAAT enhancer binding protein alpha; minus strand). Cytogenetic location: 19q13.11.
Variant type: single nucleotide variant.
Coding change: c.1026C>A on transcript NM_004364.5 (MANE Select); coding-DNA position 1026, C replaced by A.
Protein change: p.Phe342Leu; replaces phenylalanine 342 with leucine.
Molecular consequence: missense variant.
Genome position (GRCh38, 1-based): chr19:33,301,389, G>T on the plus strand (C>A on the coding strand, the complement: CEBPA is on the minus strand). VCF-style: chr19-33301389-G-T. GRCh37 (hg19) VCF-style: chr19-33792295-G-T.
Other names: c.669C>A, p.Phe223Leu (NM_001285829.2); c.1131C>A, p.Phe377Leu (NM_001287424.2); c.984C>A, p.Phe328Leu (NM_001287435.2); short protein forms F342L, F377L, F328L, F223L.
Identifiers: ClinVar variation 5034263 (VCV005034263.1).
Genomic context (GRCh38, chr19:33,301,389, plus strand): 5'-CCGCGCGCCTCACGCGCAGTTGCCCATGGCCTTGACCAAGGAGCTCTCTGGCAGCTGGCG[G>T]AAGATGCCCCGCAGCGTGTCCAGTTCGCGGCTCAGCTGTTCCACCCGCTTGCGCAGGCGG-3'
Protein context (NP_004355.2, residues 332-352): SRELDTLRGI[Phe342Leu]RQLPESSLVK